The following is an entry in ClinVar:

ClinVar aggregate classification (germline): Uncertain significance (1 of 4 stars; one submission).

gnomAD v4.1: 35 of 1,613,620 alleles (0.0022%); highest among the groups gnomAD compares: Admixed American, 0.005%; no homozygotes.

Submission:

Labcorp Genetics (formerly Invitae), Labcorp
Classification: Uncertain significance. Last evaluated: 2025-09-29. Review status: criteria provided, single submitter. Criteria: Invitae Variant Classification Sherloc (09022015). Collection method: clinical testing. Allele origin: germline.
Comment: This sequence change replaces valine, which is neutral and non-polar, with methionine, which is neutral and non-polar, at codon 1067 of the ITGAM protein (p.Val1067Met). This variant is present in population databases (rs374690908, gnomAD 0.009%). This variant has not been reported in the literature in individuals affected with ITGAM-related conditions. ClinVar contains an entry for this variant (Variation ID: 2992227). An algorithm developed to predict the effect of missense changes on protein structure and function (PolyPhen-2) suggests that this variant is likely to be disruptive. In summary, the available evidence is currently insufficient to determine the role of this variant in disease. Therefore, it has been classified as a Variant of Uncertain Significance.

NM_000632.4(ITGAM):c.3199G>A (p.Val1067Met)

Gene: ITGAM (integrin subunit alpha M; plus strand). Cytogenetic location: 16p11.2.
Variant type: single nucleotide variant.
Coding change: c.3199G>A on transcript NM_000632.4 (MANE Select); coding-DNA position 3199, G replaced by A.
Protein change: p.Val1067Met; replaces valine 1067 with methionine.
Molecular consequence: missense variant.
Genome position (GRCh38, 1-based): chr16:31,330,528, G>A. VCF-style: chr16-31330528-G-A. GRCh37 (hg19) VCF-style: chr16-31341849-G-A.
Other names: c.3202G>A, p.Val1068Met (NM_001145808.2); short protein forms V1067M, V1068M.
Identifiers: ClinVar variation 2992227 (VCV002992227.3), dbSNP rs374690908, ClinGen allele CA8026118.
Genomic context (GRCh38, chr16:31,330,528, plus strand): 5'-GGCCCAGGTGCAGTGCCCACCCGCTCTCTTCCACAGACCTCGCATAACCACCTCCTGATC[G>A]TGAGCACAGCTGAGATCTTGTTTAACGATTCCGTGTTCACCCTGCTGCCGGGACAGGGGG-3'
Protein context (NP_000623.2, residues 1057-1077): IKTSHNHLLI[Val1067Met]STAEILFNDS